The following is an entry in ClinVar:

NM_004104.5(FASN):c.6826+1G>T

Gene: FASN (fatty acid synthase; minus strand). Cytogenetic location: 17q25.3.
Variant type: single nucleotide variant.
Coding change: c.6826+1G>T on transcript NM_004104.5 (MANE Select); the canonical splice donor site of the intron after coding-DNA position 6826, G replaced by T.
Molecular consequence: splice donor variant.
Genome position (GRCh38, 1-based): chr17:82,080,691, C>A on the plus strand (G>T on the coding strand, the complement: FASN is on the minus strand). VCF-style: chr17-82080691-C-A. GRCh37 (hg19) VCF-style: chr17-80038567-C-A.
Identifiers: ClinVar variation 4713178 (VCV004713178.1).
Genomic context (GRCh38, chr17:82,080,691, plus strand): 5'-AGCCACGGGCCCCGTGATGGCCAGCACTGACCACCGCTTCCAGAGGAGGGCCCGGGAGTA[C>A]CTCGGGTGCACTGCAGGCCATAGGTGGGGATGCTGAGCCGGGAGGCCAGGCTGTGGAACA-3'

ClinVar aggregate classification (germline): Uncertain significance (1 of 4 stars; one submission).

Conditions:
Epileptic encephalopathy. Identifiers: MedGen C0543888, HP:0200134.

Submission:

Labcorp Genetics (formerly Invitae), Labcorp
Classification: Uncertain significance for Epileptic encephalopathy. Last evaluated: 2025-02-16. Review status: criteria provided, single submitter. Criteria: Invitae Variant Classification Sherloc (09022015). Collection method: clinical testing. Allele origin: germline.
Comment: This sequence change affects a donor splice site in intron 39 of the FASN gene. It is expected to disrupt RNA splicing. Variants that disrupt the donor or acceptor splice site typically lead to a loss of protein function (PMID: 16199547), however the current clinical and genetic evidence is not sufficient to establish whether loss-of-function variants in FASN cause disease. This variant is not present in population databases (gnomAD no frequency). This variant has not been reported in the literature in individuals affected with FASN-related conditions. Algorithms developed to predict the effect of sequence changes on RNA splicing suggest that this variant may disrupt the consensus splice site. In summary, the available evidence is currently insufficient to determine the role of this variant in disease. Therefore, it has been classified as a Variant of Uncertain Significance.

Literature cited by the submitters: PubMed 16199547.